The following is an entry in ClinVar:

NM_001020658.2(PUM1):c.2700C>G (p.Tyr900Ter)

Genes: PUM1 (pumilio RNA binding family member 1; minus strand), LOC126805680 (BRD4-independent group 4 enhancer GRCh37_chr1:31424624-31425823; plus strand). Cytogenetic location: 1p35.2.
Variant type: single nucleotide variant.
Coding change: c.2700C>G on transcript NM_001020658.2 (MANE Select); coding-DNA position 2700, C replaced by G.
Protein change: p.Tyr900Ter; replaces tyrosine 900 with a stop codon.
Molecular consequence: nonsense.
Genome position (GRCh38, 1-based): chr1:30,952,255, G>C on the plus strand (C>G on the coding strand, the complement: PUM1 is on the minus strand). VCF-style: chr1-30952255-G-C. GRCh37 (hg19) VCF-style: chr1-31425102-G-C.
Other names: c.2700C>G, p.Tyr900Ter (NM_014676.3); short protein forms Y900*.
Identifiers: ClinVar variation 2632420 (VCV002632420.1), dbSNP rs780025045, ClinGen allele CA339563729.
Genomic context (GRCh38, chr1:30,952,255, plus strand): 5'-ATTCTCTTAAGTCAAAGGATAGAAAGAACAAAGGCTTACTTCAAAGAACTTCTGAATGAC[G>C]TAATTACCAAACACATCCACCATGAGTTGGTAGGCAGCCTGGAGGATTTCATTGAAGACA-3'

ClinVar aggregate classification (germline): Uncertain significance (1 of 4 stars; one submission).

Conditions:
PUM1-related disorder. Also called: PUM1-related condition; PUM1-related disorders.

Submission:

PreventionGenetics, part of Exact Sciences
Classification: Uncertain significance for PUM1-related condition. Last evaluated: 2023-06-06. Review status: criteria provided, single submitter. Criteria: ACMG Guidelines, 2015. Collection method: clinical testing. Allele origin: germline.
Comment: The PUM1 c.2700C>G variant is predicted to result in premature protein termination (p.Tyr900*). To our knowledge, this variant has not been reported in the literature or in a large population database, indicating this variant is rare. A limited number of loss-of-function variants have been reported in the PUM1 gene; however, haploinsufficiency has been indicated in patients with developmental delay and seizures (Human Gene Mutation Database; Gennarino. 2018. PubMed ID: 29474920). Although we suspect that this variant may be pathogenic, at this time, the clinical significance of this variant is uncertain due to the absence of conclusive functional and genetic evidence.